The following is an entry in ClinVar:

ClinVar aggregate classification (germline): Uncertain significance (1 of 4 stars; one submission).

Submission:

Labcorp Genetics (formerly Invitae), Labcorp
Classification: Uncertain significance. Last evaluated: 2022-03-18. Review status: criteria provided, single submitter. Criteria: Invitae Variant Classification Sherloc (09022015). Collection method: clinical testing. Allele origin: germline.
Comment: This sequence change replaces glutamine, which is neutral and polar, with leucine, which is neutral and non-polar, at codon 1259 of the HMCN1 protein (p.Gln1259Leu). This variant is not present in population databases (gnomAD no frequency). This variant has not been reported in the literature in individuals affected with HMCN1-related conditions. Algorithms developed to predict the effect of missense changes on protein structure and function are either unavailable or do not agree on the potential impact of this missense change (SIFT: "Tolerated"; PolyPhen-2: "Probably Damaging"; Align-GVGD: "Class C0"). Algorithms developed to predict the effect of sequence changes on RNA splicing suggest that this variant may disrupt the consensus splice site. In summary, the available evidence is currently insufficient to determine the role of this variant in disease. Therefore, it has been classified as a Variant of Uncertain Significance.

NM_031935.3(HMCN1):c.3776A>T (p.Gln1259Leu)

Gene: HMCN1 (hemicentin 1; plus strand). Cytogenetic location: 1q31.1.
Variant type: single nucleotide variant.
Coding change: c.3776A>T on transcript NM_031935.3 (MANE Select); coding-DNA position 3776, A replaced by T.
Protein change: p.Gln1259Leu; replaces glutamine 1259 with leucine.
Molecular consequence: missense variant.
Genome position (GRCh38, 1-based): chr1:185,995,085, A>T. VCF-style: chr1-185995085-A-T. GRCh37 (hg19) VCF-style: chr1-185964217-A-T.
Other names: short protein forms Q1259L.
Identifiers: ClinVar variation 2102089 (VCV002102089.4), dbSNP rs2527418686, ClinGen allele CA343872172.
Genomic context (GRCh38, chr1:185,995,085, plus strand): 5'-ATACATGTGTTGCTACTAACATAGCAGGCACTGATGAAACAGAGATAACGCTACATGTCC[A>T]AGGTGATTCTTGACACAGGAAAATATATGTATGTAGGGTGGGGAGTGAGAGAAAAGCCCT-3'
Protein context (NP_114141.2, residues 1249-1269): TDETEITLHV[Gln1259Leu]EPPTVEDLEP